The following is an entry in ClinVar:

ClinVar aggregate classification (germline): Uncertain significance. Review status: criteria provided, multiple submitters, no conflicts (2 of 4 stars). 2 submissions from 2 submitters: Uncertain significance (2). Last evaluated 2023-10-12.

Conditions:
Charcot-Marie-Tooth disease axonal type 2O. Also called: CHARCOT-MARIE-TOOTH NEUROPATHY, AXONAL, TYPE 2O; CHARCOT-MARIE-TOOTH DISEASE, AXONAL, AUTOSOMAL DOMINANT, TYPE 2O; Charcot-Marie-Tooth disease, axonal, type 20; Charcot-Marie-Tooth Neuropathy Type 2O. Identifiers: Orphanet 284232, MedGen C3280220, MONDO:0013644, OMIM 614228.

Allele frequency attached by ClinVar (database versions not stated): gnomAD exomes below 0.00001.
gnomAD v4.1: 2 of 1,614,218 alleles (0.00012%); highest among the groups gnomAD compares: South Asian, 0.0011%; no homozygotes.

Submissions (2):

Clinical Genetics Laboratory, Skane University Hospital Lund
Classification: Uncertain significance. Last evaluated: 2023-10-12. Review status: criteria provided, single submitter. Criteria: ACMG Guidelines, 2015. Collection method: clinical testing. Allele origin: germline. Affected: yes.

Centre for Mendelian Genomics, University Medical Centre Ljubljana
Classification: Uncertain significance for Charcot-Marie-Tooth disease axonal type 2O. Last evaluated: 2019-08-22. Review status: criteria provided, single submitter. Criteria: ACMG Guidelines, 2015. Collection method: clinical testing. Allele origin: unknown. Affected: yes.
Comment: This variant was classified as: Uncertain significance. The available evidence on this variant's pathogenicity is insufficient or conflicting. The following ACMG criteria were applied in classifying this variant: PM2.

NM_001376.5(DYNC1H1):c.11263G>A (p.Glu3755Lys)

Gene: DYNC1H1 (dynein cytoplasmic 1 heavy chain 1; plus strand). Cytogenetic location: 14q32.31.
Variant type: single nucleotide variant.
Coding change: c.11263G>A on transcript NM_001376.5 (MANE Select); coding-DNA position 11263, G replaced by A.
Protein change: p.Glu3755Lys; replaces glutamic acid 3755 with lysine.
Molecular consequence: missense variant.
Genome position (GRCh38, 1-based): chr14:102,039,057, G>A. VCF-style: chr14-102039057-G-A. GRCh37 (hg19) VCF-style: chr14-102505394-G-A.
Other names: short protein forms E3755K.
Identifiers: ClinVar variation 930562 (VCV000930562.4), dbSNP rs2048611326, ClinGen allele CA391033130.